The following is an entry in ClinVar:

NM_033380.3(COL4A5):c.1682G>T (p.Gly561Val)

Gene: COL4A5 (collagen type IV alpha 5 chain; plus strand). Cytogenetic location: Xq22.3.
Variant type: single nucleotide variant.
Coding change: c.1682G>T on transcript NM_033380.3 (MANE Select); coding-DNA position 1682, G replaced by T.
Protein change: p.Gly561Val; replaces glycine 561 with valine.
Molecular consequence: missense variant.
Genome position (GRCh38, 1-based): chrX:108,597,471, G>T. VCF-style: chrX-108597471-G-T. GRCh37 (hg19) VCF-style: chrX-107840701-G-T.
Other names: c.1682G>T, p.Gly561Val (NM_000495.5); short protein forms G561V.
Identifiers: ClinVar variation 3597901 (VCV003597901.3).

ClinVar aggregate classification (germline): Likely pathogenic. Review status: criteria provided, multiple submitters, no conflicts (2 of 4 stars). 2 submissions from 2 submitters: Likely pathogenic (2). Last evaluated 2024-04-02.

Conditions:
X-linked Alport syndrome (ATS1). Also called: COL4A5-Related Nephropathy; NEPHROPATHY AND DEAFNESS, X-LINKED. Identifiers: Orphanet 63, Orphanet 88917, MedGen C4746986, MONDO:0010520, OMIM 301050.

Submissions (2):

Labcorp Genetics (formerly Invitae), Labcorp
Classification: Likely pathogenic. Last evaluated: 2024-04-02. Review status: criteria provided, single submitter. Criteria: Invitae Variant Classification Sherloc (09022015). Collection method: clinical testing. Allele origin: germline.
Comment: This sequence change replaces glycine, which is neutral and non-polar, with valine, which is neutral and non-polar, at codon 561 of the COL4A5 protein (p.Gly561Val). This variant is not present in population databases (gnomAD no frequency). This variant has not been reported in the literature in individuals affected with COL4A5-related conditions. Advanced modeling of protein sequence and biophysical properties (such as structural, functional, and spatial information, amino acid conservation, physicochemical variation, residue mobility, and thermodynamic stability) performed at Invitae indicates that this missense variant is expected to disrupt COL4A5 protein function with a positive predictive value of 95%. This variant disrupts the triple helix domain of COL4A5. Glycine residues within the Gly-Xaa-Yaa repeats of the triple helix domain are required for the structure and stability of fibrillar collagens (PMID: 7695699, 8218237, 19344236). In COL4A5, missense variants at these glycine residues are significantly enriched in individuals with disease (PMID: 23720012, 27627812) compared to the general population (ExAC). This variant disrupts the p.Gly561 amino acid residue in COL4A5. Other variant(s) that disrupt this residue have been observed in individuals with COL4A5-related conditions (Invitae), which suggests that this may be a clinically significant amino acid residue. In summary, the currently available evidence indicates that the variant is pathogenic, but additional data are needed to prove that conclusively. Therefore, this variant has been classified as Likely Pathogenic.

Fulgent Genetics
Classification: Likely pathogenic for X-linked Alport syndrome. Last evaluated: 2024-01-04. Review status: criteria provided, single submitter. Criteria: ACMG Guidelines, 2015. Collection method: clinical testing. Allele origin: germline.

Literature cited by the submitters: PubMed 7695699 (cited by Labcorp Genetics (formerly Invitae), Labcorp); PubMed 8218237 (cited by Labcorp Genetics (formerly Invitae), Labcorp); PubMed 19344236 (cited by Labcorp Genetics (formerly Invitae), Labcorp); PubMed 23720012 (cited by Labcorp Genetics (formerly Invitae), Labcorp); PubMed 27627812 (cited by Labcorp Genetics (formerly Invitae), Labcorp).